The following is an entry in ClinVar:

NM_020247.5(COQ8A):c.828G>A (p.Lys276=)

Gene: COQ8A (coenzyme Q8A; plus strand). Cytogenetic location: 1q42.13.
Variant type: single nucleotide variant.
Coding change: c.828G>A on transcript NM_020247.5 (MANE Select); coding-DNA position 828, G replaced by A.
Protein change: p.Lys276=; no amino-acid change (lysine 276 retained).
Molecular consequence: synonymous variant.
Genome position (GRCh38, 1-based): chr1:226,982,124, G>A. VCF-style: chr1-226982124-G-A. GRCh37 (hg19) VCF-style: chr1-227169825-G-A.
Other names: c.828G>A (NM_020247.4).
Identifiers: ClinVar variation 2064280 (VCV002064280.6), dbSNP rs757540360, ClinGen allele CA1425168.

ClinVar aggregate classification (germline): Likely benign. Review status: criteria provided, single submitter (1 of 4 stars). 2 submissions from 2 submitters: Likely benign (1). 1 of the submissions does not count toward it. Last evaluated 2025-04-10.

Conditions:
COQ8A-related disorder. Also called: COQ8A-related condition.

Allele frequency attached by ClinVar (database versions not stated): ExAC 0.00001; gnomAD exomes 0.00001; TOPMed 0.00003.
gnomAD v4.1: 8 of 1,604,060 alleles (0.0005%); highest among the groups gnomAD compares: Admixed American, 0.01%; no homozygotes.

Submissions (2):

Labcorp Genetics (formerly Invitae), Labcorp
Classification: Likely benign. Last evaluated: 2025-04-10. Review status: criteria provided, single submitter. Criteria: Invitae Variant Classification Sherloc (09022015). Collection method: clinical testing. Allele origin: germline.

PreventionGenetics, part of Exact Sciences
Classification: Likely benign for COQ8A-related condition. Last evaluated: 2019-10-16. Review status: no assertion criteria provided. Collection method: clinical testing. Allele origin: germline. Not counted in ClinVar's aggregate classification.
Comment: This variant is classified as likely benign based on ACMG/AMP sequence variant interpretation guidelines (Richards et al. 2015 PMID: 25741868, with internal and published modifications).